The following is an entry in ClinVar:

NM_001384732.1(CPLANE1):c.5005A>G (p.Asn1669Asp)

Gene: CPLANE1 (ciliogenesis and planar polarity effector complex subunit 1; minus strand). Cytogenetic location: 5p13.2.
Variant type: single nucleotide variant.
Coding change: c.5005A>G on transcript NM_001384732.1 (MANE Select); coding-DNA position 5005, A replaced by G.
Protein change: p.Asn1669Asp; replaces asparagine 1669 with aspartic acid.
Molecular consequence: missense variant.
Genome position (GRCh38, 1-based): chr5:37,183,176, T>C on the plus strand (A>G on the coding strand, the complement: CPLANE1 is on the minus strand). VCF-style: chr5-37183176-T-C. GRCh37 (hg19) VCF-style: chr5-37183278-T-C.
Other names: c.5005A>G, p.Asn1669Asp (NM_023073.4); short protein forms N1669D.
Identifiers: ClinVar variation 1415638 (VCV001415638.3), dbSNP rs1436271226, ClinGen allele CA359494620.

ClinVar aggregate classification (germline): Uncertain significance (1 of 4 stars; one submission).

Allele frequency attached by ClinVar (database versions not stated): gnomAD 0.00001; gnomAD exomes 0.00001.
gnomAD v4.1: 6 of 1,611,980 alleles (0.00037%); highest among the groups gnomAD compares: Admixed American, 0.0084%; no homozygotes.

Submission:

Labcorp Genetics (formerly Invitae), Labcorp
Classification: Uncertain significance. Last evaluated: 2022-08-13. Review status: criteria provided, single submitter. Criteria: Invitae Variant Classification Sherloc (09022015). Collection method: clinical testing. Allele origin: germline.
Comment: This sequence change replaces asparagine, which is neutral and polar, with aspartic acid, which is acidic and polar, at codon 1669 of the CPLANE1 protein (p.Asn1669Asp). This variant is not present in population databases (gnomAD no frequency). This variant has not been reported in the literature in individuals affected with CPLANE1-related conditions. ClinVar contains an entry for this variant (Variation ID: 1415638). Advanced modeling of protein sequence and biophysical properties (such as structural, functional, and spatial information, amino acid conservation, physicochemical variation, residue mobility, and thermodynamic stability) performed at Invitae indicates that this missense variant is not expected to disrupt CPLANE1 protein function. In summary, the available evidence is currently insufficient to determine the role of this variant in disease. Therefore, it has been classified as a Variant of Uncertain Significance.